The following is an entry in ClinVar:

NM_213599.3(ANO5):c.2427C>G (p.Tyr809Ter)

Gene: ANO5 (anoctamin 5; plus strand). Cytogenetic location: 11p14.3.
Variant type: single nucleotide variant.
Coding change: c.2427C>G on transcript NM_213599.3 (MANE Select); coding-DNA position 2427, C replaced by G.
Protein change: p.Tyr809Ter; replaces tyrosine 809 with a stop codon.
Molecular consequence: nonsense.
Genome position (GRCh38, 1-based): chr11:22,276,106, C>G. VCF-style: chr11-22276106-C-G. GRCh37 (hg19) VCF-style: chr11-22297652-C-G.
Other names: c.2424C>G, p.Tyr808Ter (NM_001142649.2); c.2385C>G, p.Tyr795Ter (NM_001410963.1); c.2382C>G, p.Tyr794Ter (NM_001410964.1); c.2349C>G, p.Tyr783Ter (NM_001441294.1); c.2346C>G, p.Tyr782Ter (NM_001441295.1); c.2334C>G, p.Tyr778Ter (NM_001441296.1); c.2307C>G, p.Tyr769Ter (NM_001441297.1); c.2271C>G, p.Tyr757Ter (NM_001441298.1); and 4 more; short protein forms Y778*, Y794*, Y769*, Y782*, Y795*, Y647*, Y663*, Y664*.
Identifiers: ClinVar variation 4793456 (VCV004793456.1).

ClinVar aggregate classification (germline): Pathogenic (1 of 4 stars; one submission).

Conditions:
Gnathodiaphyseal dysplasia (GDD). Also called: GNATHODIAPHYSEAL SCLEROSIS; OSTEOGENESIS IMPERFECTA WITH UNUSUAL SKELETAL LESIONS. Identifiers: Orphanet 53697, MedGen C1833736, MONDO:0008151, OMIM 166260.
Autosomal recessive limb-girdle muscular dystrophy type 2L (LGMDR12). Also called: Limb-girdle muscular dystrophy, type 2L; MUSCULAR DYSTROPHY, LIMB-GIRDLE, AUTOSOMAL RECESSIVE 12; Limb-Girdle Muscular Dystrophy R12 Anoctamin-5-Related (LGMD-R12). Identifiers: Orphanet 206549, MedGen C1969785, MONDO:0012652, OMIM 611307.

Submission:

Labcorp Genetics (formerly Invitae), Labcorp
Classification: Pathogenic for Autosomal recessive limb-girdle muscular dystrophy type 2L; Gnathodiaphyseal dysplasia. Last evaluated: 2025-03-09. Review status: criteria provided, single submitter. Criteria: Invitae Variant Classification Sherloc (09022015). Collection method: clinical testing. Allele origin: germline.
Comment: This sequence change creates a premature translational stop signal (p.Tyr809*) in the ANO5 gene. It is expected to result in an absent or disrupted protein product. Loss-of-function variants in ANO5 are known to be pathogenic (PMID: 21186264, 23606453, 25891276, 30919934). This variant is not present in population databases (gnomAD no frequency). This variant has not been reported in the literature in individuals affected with ANO5-related conditions. For these reasons, this variant has been classified as Pathogenic.

Literature cited by the submitters: PubMed 21186264; PubMed 23606453; PubMed 25891276; PubMed 30919934.